The following is an entry in ClinVar:

ClinVar aggregate classification (germline): Likely benign (1 of 4 stars; one submission).

Conditions:
Lynch syndrome 4 (LYNCH4). Also called: Colorectal cancer, hereditary nonpolyposis, type 4; Hereditary non-polyposis colorectal cancer, type 4. Identifiers: Orphanet 144, MedGen C1838333, MONDO:0013699, OMIM 614337. Disease mechanism: loss of function.

Submission:

Myriad Genetics, Inc.
Classification: Likely benign for Lynch syndrome 4. Last evaluated: 2025-01-29. Review status: criteria provided, single submitter. Criteria: Myriad Autosomal Dominant, Autosomal Recessive and X-Linked Classification Criteria (2023). Collection method: clinical testing. Allele origin: unknown.
Comment: This variant is considered likely benign. This variant is intronic and is not expected to impact mRNA splicing.

NM_000535.7(PMS2):c.989-10T>C

Gene: PMS2 (PMS1 homolog 2, mismatch repair system component; minus strand). Cytogenetic location: 7p22.1.
Variant type: single nucleotide variant.
Coding change: c.989-10T>C on transcript NM_000535.7 (MANE Select); 10 bases into the intron before coding-DNA position 989, T replaced by C.
Molecular consequence: intron variant.
Genome position (GRCh38, 1-based): chr7:5,989,965, A>G on the plus strand (T>C on the coding strand, the complement: PMS2 is on the minus strand). VCF-style: chr7-5989965-A-G. GRCh37 (hg19) VCF-style: chr7-6029596-A-G.
Other names: c.671-10T>C (NM_001322008.2, NM_001406883.1, NM_001406903.1 and 2 more transcripts); c.680-10T>C (NM_001406881.1, NM_001406879.1, NM_001322015.2 and 5 more transcripts); c.584-10T>C (NM_001406895.1, NM_001322004.2, NM_001406889.1 and 16 more transcripts); c.218-10T>C (NM_001406911.1); c.583+2008T>C (NM_001322010.2, NM_001406906.1, NM_001406907.1); c.670+2008T>C (NM_001406902.1, NM_001406901.1); c.476-10T>C (NM_001406904.1, NM_001406905.1); c.416-10T>C (NM_001322013.2, NM_001406909.1); and 13 more.
Identifiers: ClinVar variation 3903528 (VCV003903528.1).